The following is an entry in ClinVar:

NM_000180.4(GUCY2D):c.793G>A (p.Glu265Lys)

Gene: GUCY2D (guanylate cyclase 2D, retinal; plus strand). Cytogenetic location: 17p13.1.
Variant type: single nucleotide variant.
Coding change: c.793G>A on transcript NM_000180.4 (MANE Select); coding-DNA position 793, G replaced by A.
Protein change: p.Glu265Lys; replaces glutamic acid 265 with lysine.
Molecular consequence: missense variant.
Genome position (GRCh38, 1-based): chr17:8,003,923, G>A. VCF-style: chr17-8003923-G-A. GRCh37 (hg19) VCF-style: chr17-7907241-G-A.
Other names: c.793G>A (NM_000180.3); short protein forms E265K.
Identifiers: ClinVar variation 1019236 (VCV001019236.10), dbSNP rs1346762413, ClinGen allele CA397945172.

ClinVar aggregate classification (germline): Uncertain significance. Review status: criteria provided, multiple submitters, no conflicts (2 of 4 stars). 3 submissions from 3 submitters: Uncertain significance (3). Last evaluated 2024-10-23.

Conditions:
Cone-rod dystrophy 6 (CORD6). Also called: RETINAL CONE DYSTROPHY 2; Cone dystrophy progressive. Identifiers: Orphanet 1872, MedGen C1866293, MONDO:0011143, OMIM 601777.
Leber congenital amaurosis 1 (LCA1). Also called: Congenital absence of the rods and cones; Leber's congenital tapetoretinal degeneration; Leber's congenital tapetoretinal dysplasia; RETINAL BLINDNESS, CONGENITAL; AMAUROSIS CONGENITA OF LEBER I. Identifiers: Orphanet 65, MedGen C2931258, MONDO:0008764, OMIM 204000.
Inborn genetic diseases. Identifiers: MedGen C0950123, MeSH D030342.

Allele frequency attached by ClinVar (database versions not stated): gnomAD exomes below 0.00001; gnomAD 0.00001 and 0.00002; TOPMed 0.00001.
gnomAD v4.1: 8 of 1,613,554 alleles (0.0005%); highest among the groups gnomAD compares: East Asian, 0.018%; no homozygotes.

Submissions (3):

Blueprint Genetics
Classification: Uncertain significance. Last evaluated: 2024-10-23. Review status: criteria provided, single submitter. Criteria: ACMG Guidelines, 2015. Collection method: clinical testing. Allele origin: germline.

Labcorp Genetics (formerly Invitae), Labcorp
Classification: Uncertain significance for Leber congenital amaurosis 1; Cone-rod dystrophy 6. Last evaluated: 2024-02-23. Review status: criteria provided, single submitter. Criteria: Invitae Variant Classification Sherloc (09022015). Collection method: clinical testing. Allele origin: germline.
Comment: This sequence change replaces glutamic acid, which is acidic and polar, with lysine, which is basic and polar, at codon 265 of the GUCY2D protein (p.Glu265Lys). This variant is not present in population databases (gnomAD no frequency). This variant has not been reported in the literature in individuals affected with GUCY2D-related conditions. ClinVar contains an entry for this variant (Variation ID: 1019236). Advanced modeling of protein sequence and biophysical properties (such as structural, functional, and spatial information, amino acid conservation, physicochemical variation, residue mobility, and thermodynamic stability) performed at Invitae indicates that this missense variant is not expected to disrupt GUCY2D protein function with a negative predictive value of 80%. In summary, the available evidence is currently insufficient to determine the role of this variant in disease. Therefore, it has been classified as a Variant of Uncertain Significance.

Ambry Genetics
Classification: Uncertain significance for Inborn genetic diseases. Last evaluated: 2023-05-17. Review status: criteria provided, single submitter. Criteria: Ambry Variant Classification Scheme 2023. Collection method: clinical testing. Allele origin: germline.